The following is an entry in ClinVar:

ClinVar aggregate classification (germline): Uncertain significance (1 of 4 stars; one submission).

Conditions:
Brown-Vialetto-van Laere syndrome 1. Also called: BROWN-VIALETTO-VAN LAERE SYNDROME 1, MILD; BULBAR PALSY, PROGRESSIVE, WITH SENSORINEURAL DEAFNESS; PONTOBULBAR PALSY WITH DEAFNESS. Identifiers: Orphanet 572550, Orphanet 97229, MedGen C0796274, MONDO:0024537, OMIM 211530.

Allele frequency attached by ClinVar (database versions not stated): gnomAD exomes below 0.00001 and 0.00001; TOPMed 0.00001; 1000 Genomes Project 0.00020; gnomAD 0.00001; 1000 Genomes Project 30x 0.00016.

Submission:

Labcorp Genetics (formerly Invitae), Labcorp
Classification: Uncertain significance for Brown-Vialetto-van Laere syndrome 1. Last evaluated: 2022-04-22. Review status: criteria provided, single submitter. Criteria: Invitae Variant Classification Sherloc (09022015). Collection method: clinical testing. Allele origin: germline.
Comment: In summary, the available evidence is currently insufficient to determine the role of this variant in disease. Therefore, it has been classified as a Variant of Uncertain Significance. Algorithms developed to predict the effect of missense changes on protein structure and function output the following: SIFT: "Tolerated"; PolyPhen-2: "Benign"; Align-GVGD: "Class C0". The serine amino acid residue is found in multiple mammalian species, which suggests that this missense change does not adversely affect protein function. This variant has not been reported in the literature in individuals affected with SLC52A3-related conditions. The frequency data for this variant in the population databases is considered unreliable, as metrics indicate poor data quality at this position in the gnomAD database. This sequence change replaces glycine, which is neutral and non-polar, with serine, which is neutral and polar, at codon 80 of the SLC52A3 protein (p.Gly80Ser).

NM_033409.4(SLC52A3):c.238G>A (p.Gly80Ser)

Gene: SLC52A3 (solute carrier family 52 member 3; minus strand). Cytogenetic location: 20p13.
Variant type: single nucleotide variant.
Coding change: c.238G>A on transcript NM_033409.4 (MANE Select); coding-DNA position 238, G replaced by A.
Protein change: p.Gly80Ser; replaces glycine 80 with serine.
Molecular consequence: missense variant.
Genome position (GRCh38, 1-based): chr20:765,537, C>T on the plus strand (G>A on the coding strand, the complement: SLC52A3 is on the minus strand). VCF-style: chr20-765537-C-T. GRCh37 (hg19) VCF-style: chr20-746181-C-T.
Other names: c.238G>A, p.Gly80Ser (NM_001370085.1, NM_001370086.1); short protein forms G80S.
Identifiers: ClinVar variation 1474674 (VCV001474674.8), dbSNP rs534971384, ClinGen allele CA310679260.